The following is an entry in ClinVar:

NM_030665.4(RAI1):c.5041A>G (p.Ser1681Gly)

Gene: RAI1 (retinoic acid induced 1; plus strand). Cytogenetic location: 17p11.2.
Variant type: single nucleotide variant.
Coding change: c.5041A>G on transcript NM_030665.4 (MANE Select); coding-DNA position 5041, A replaced by G.
Protein change: p.Ser1681Gly; replaces serine 1681 with glycine.
Molecular consequence: missense variant.
Genome position (GRCh38, 1-based): chr17:17,797,989, A>G. VCF-style: chr17-17797989-A-G. GRCh37 (hg19) VCF-style: chr17-17701303-A-G.
Other names: short protein forms S1681G.
Identifiers: ClinVar variation 4782301 (VCV004782301.1).

ClinVar aggregate classification (germline): Uncertain significance (1 of 4 stars; one submission).

Submission:

Labcorp Genetics (formerly Invitae), Labcorp
Classification: Uncertain significance. Last evaluated: 2025-03-27. Review status: criteria provided, single submitter. Criteria: Invitae Variant Classification Sherloc (09022015). Collection method: clinical testing. Allele origin: germline.
Comment: This sequence change replaces serine, which is neutral and polar, with glycine, which is neutral and non-polar, at codon 1681 of the RAI1 protein (p.Ser1681Gly). This variant is not present in population databases (gnomAD no frequency). This variant has not been reported in the literature in individuals affected with RAI1-related conditions. Invitae Evidence Modeling of protein sequence and biophysical properties (such as structural, functional, and spatial information, amino acid conservation, physicochemical variation, residue mobility, and thermodynamic stability) indicates that this missense variant is not expected to disrupt RAI1 protein function with a negative predictive value of 80%. In summary, the available evidence is currently insufficient to determine the role of this variant in disease. Therefore, it has been classified as a Variant of Uncertain Significance.